The following is an entry in ClinVar:

NM_000179.3(MSH6):c.3845C>T (p.Thr1282Ile)

Gene: MSH6 (mutS homolog 6; plus strand). Cytogenetic location: 2p16.3.
Variant type: single nucleotide variant.
Coding change: c.3845C>T on transcript NM_000179.3 (MANE Select); coding-DNA position 3845, C replaced by T.
Protein change: p.Thr1282Ile; replaces threonine 1282 with isoleucine.
Molecular consequence: missense variant. On other transcripts: synonymous variant (1).
Genome position (GRCh38, 1-based): chr2:47,806,495, C>T. VCF-style: chr2-47806495-C-T. GRCh37 (hg19) VCF-style: chr2-48033634-C-T.
Other names: c.2939C>T, p.Thr980Ile (NM_001281494.2, NM_001406815.1, NM_001406816.1 and 6 more transcripts); c.3941C>T, p.Thr1314Ile (NM_001406795.1); c.3845C>T, p.Thr1282Ile (NM_001406796.1, NM_001406808.1, NM_001406809.1); c.3548C>T, p.Thr1183Ile (NM_001406797.1, NM_001406801.1, NM_001406818.1 and 10 more transcripts); c.3671C>T, p.Thr1224Ile (NM_001406798.1); c.3320C>T, p.Thr1107Ile (NM_001406799.1, NM_001406806.1, NM_001406807.1); c.3832C>T, p.Leu1278= (NM_001406800.1); c.2981C>T, p.Thr994Ile (NM_001406803.1); and 8 more; short protein forms T1107I, T1152I, T1183I, T1224I, T1226I, T1256I, T1282I, T1284I.
Identifiers: ClinVar variation 1719395 (VCV001719395.6), dbSNP rs876660361, ClinGen allele CA346761301.
Genomic context (GRCh38, chr2:47,806,495, plus strand): 5'-TATTTTTCTTTCTTAAGGCATGCATGGTAGAAAATGAATGTGAAGACCCCAGCCAGGAGA[C>T]TATTACGTTCCTCTATAAATTCATTAAGGGAGCTTGTCCTAAAAGCTATGGCTTTAATGC-3'
Protein context (NP_000170.1, residues 1272-1292): ENECEDPSQE[Thr1282Ile]ITFLYKFIKG

ClinVar aggregate classification (germline): Uncertain significance (1 of 4 stars; one submission).

Conditions:
Hereditary nonpolyposis colorectal neoplasms. Identifiers: MedGen C0009405, MeSH D003123.

Submission:

Labcorp Genetics (formerly Invitae), Labcorp
Classification: Uncertain significance for Hereditary nonpolyposis colorectal neoplasms. Last evaluated: 2022-09-15. Review status: criteria provided, single submitter. Criteria: Invitae Variant Classification Sherloc (09022015). Collection method: clinical testing. Allele origin: germline.
Comment: In summary, the available evidence is currently insufficient to determine the role of this variant in disease. Therefore, it has been classified as a Variant of Uncertain Significance. This sequence change replaces threonine, which is neutral and polar, with isoleucine, which is neutral and non-polar, at codon 1282 of the MSH6 protein (p.Thr1282Ile). This variant is not present in population databases (gnomAD no frequency). This variant has not been reported in the literature in individuals affected with MSH6-related conditions. Advanced modeling of protein sequence and biophysical properties (such as structural, functional, and spatial information, amino acid conservation, physicochemical variation, residue mobility, and thermodynamic stability) performed at Invitae indicates that this missense variant is not expected to disrupt MSH6 protein function.